The following is an entry in ClinVar:

ClinVar aggregate classification (germline): Uncertain significance. Review status: criteria provided, multiple submitters, no conflicts (2 of 4 stars). 2 submissions from 2 submitters: Uncertain significance (2). Last evaluated 2025-09-01.

Conditions:
Hereditary sensory and autonomic neuropathy type 7. Also called: Neuropathy, hereditary sensory and autonomic, type VII; HSAN VII. Identifiers: Orphanet 391397, MedGen C3809882, MONDO:0014244, OMIM 615548.
Familial episodic pain syndrome with predominantly lower limb involvement. Also called: Episodic pain syndrome, familial, 3. Identifiers: Orphanet 391384, Orphanet 391392, MedGen C3809899, MONDO:0014247, OMIM 615552.

Allele frequency attached by ClinVar (database versions not stated): gnomAD exomes below 0.00001; gnomAD 0.00001; TOPMed 0.00001.
gnomAD v4.1: 2 of 1,613,860 alleles (0.00012%); highest among the groups gnomAD compares: Non-Finnish European, 0.00017%; no homozygotes.

Submissions (2):

CeGaT Center for Human Genetics Tuebingen
Classification: Uncertain significance. Last evaluated: 2025-09-01. Review status: criteria provided, single submitter. Criteria: CeGaT Center For Human Genetics Tuebingen Variant Classification Criteria Version 2. Collection method: clinical testing. Allele origin: germline. Affected: yes. Observed: 1 variant allele.

Labcorp Genetics (formerly Invitae), Labcorp
Classification: Uncertain significance for Familial episodic pain syndrome with predominantly lower limb involvement; Hereditary sensory and autonomic neuropathy type 7. Last evaluated: 2023-11-08. Review status: criteria provided, single submitter. Criteria: Invitae Variant Classification Sherloc (09022015). Collection method: clinical testing. Allele origin: germline.
Comment: This sequence change replaces asparagine, which is neutral and polar, with tyrosine, which is neutral and polar, at codon 772 of the SCN11A protein (p.Asn772Tyr). This variant is not present in population databases (gnomAD no frequency). This variant has not been reported in the literature in individuals affected with SCN11A-related conditions. Advanced modeling of protein sequence and biophysical properties (such as structural, functional, and spatial information, amino acid conservation, physicochemical variation, residue mobility, and thermodynamic stability) performed at Invitae indicates that this missense variant is expected to disrupt SCN11A protein function with a positive predictive value of 80%. In summary, the available evidence is currently insufficient to determine the role of this variant in disease. Therefore, it has been classified as a Variant of Uncertain Significance.

NM_001349253.2(SCN11A):c.2314A>T (p.Asn772Tyr)

Gene: SCN11A (sodium voltage-gated channel alpha subunit 11; minus strand). Cytogenetic location: 3p22.2.
Variant type: single nucleotide variant.
Coding change: c.2314A>T on transcript NM_001349253.2 (MANE Select); coding-DNA position 2314, A replaced by T.
Protein change: p.Asn772Tyr; replaces asparagine 772 with tyrosine.
Molecular consequence: missense variant.
Genome position (GRCh38, 1-based): chr3:38,896,934, T>A on the plus strand (A>T on the coding strand, the complement: SCN11A is on the minus strand). VCF-style: chr3-38896934-T-A. GRCh37 (hg19) VCF-style: chr3-38938425-T-A.
Other names: c.2314A>T, p.Asn772Tyr (NM_014139.3); short protein forms N772Y.
Identifiers: ClinVar variation 2938776 (VCV002938776.10), dbSNP rs1265428797, ClinGen allele CA352157638.